The following is an entry in ClinVar:

NM_001270.4(CHD1):c.2942A>G (p.Glu981Gly)

Gene: CHD1 (chromodomain helicase DNA binding protein 1; minus strand). Cytogenetic location: 5q15.
Variant type: single nucleotide variant.
Coding change: c.2942A>G on transcript NM_001270.4 (MANE Select); coding-DNA position 2942, A replaced by G.
Protein change: p.Glu981Gly; replaces glutamic acid 981 with glycine.
Molecular consequence: missense variant. On other transcripts: non-coding transcript variant (2).
Genome position (GRCh38, 1-based): chr5:98,881,301, T>C on the plus strand (A>G on the coding strand, the complement: CHD1 is on the minus strand). VCF-style: chr5-98881301-T-C. GRCh37 (hg19) VCF-style: chr5-98217005-T-C.
Other names: c.2942A>G, p.Glu981Gly (NM_001364113.3, NM_001376194.2); short protein forms E981G.
Identifiers: ClinVar variation 4881025 (VCV004881025.2).
Genomic context (GRCh38, chr5:98,881,301, plus strand): 5'-CTGAGGCAGGCCTTTTTTTTTTTTTTTTTTTTTTTTACCTGGGGCTCTTGTTCTTCTCCT[T>C]CAGGTTCCTTAAAAAGTTCTTCAGCACCAAACTTTAAAATGGCTGATAACTCTTCTTTAT-3'
Protein context (NP_001261.2, residues 971-991): FGAEELFKEP[Glu981Gly]GEEQEPQEMD

ClinVar aggregate classification (germline): Uncertain significance (1 of 4 stars; one submission).

gnomAD v4.1: 1 of 1,489,866 alleles (0.000067%); highest among the groups gnomAD compares: Non-Finnish European, 0.000091%; no homozygotes.

Submission:

Dasa
Classification: Uncertain significance. Last evaluated: 2026-03-11. Review status: criteria provided, single submitter. Criteria: DASA Assertion Criteria. Collection method: clinical testing. Allele origin: germline.
Comment: NM_001270.4(CHD1):c.2942A>G (p.Glu981Gly) is a missense variant that results in the substitution of glutamic acid with glycine. This variant is rare in population databases. The currently available literature and clinical evidence are not sufficient to establish a definitive association between this variant and the reported condition. Therefore, this variant is classified as a variant of uncertain significance.